The following is an entry in ClinVar:

ClinVar aggregate classification (germline): Uncertain significance (1 of 4 stars; one submission).

Allele frequency attached by ClinVar (database versions not stated): gnomAD exomes 0.00001; TOPMed 0.00001; ExAC 0.00003; ESP Exome Variant Server 0.00015.
gnomAD v4.1: 13 of 1,610,872 alleles (0.00081%); highest among the groups gnomAD compares: Middle Eastern, 0.016%; no homozygotes.

Submission:

Labcorp Genetics (formerly Invitae), Labcorp
Classification: Uncertain significance. Last evaluated: 2021-11-11. Review status: criteria provided, single submitter. Criteria: Invitae Variant Classification Sherloc (09022015). Collection method: clinical testing. Allele origin: germline.
Comment: This sequence change replaces alanine, which is neutral and non-polar, with threonine, which is neutral and polar, at codon 1290 of the ABCA4 protein (p.Ala1290Thr). The frequency data for this variant in the population databases is considered unreliable, as metrics indicate poor data quality at this position in the gnomAD database. This variant has not been reported in the literature in individuals affected with ABCA4-related conditions. Advanced modeling of protein sequence and biophysical properties (such as structural, functional, and spatial information, amino acid conservation, physicochemical variation, residue mobility, and thermodynamic stability) performed at Invitae indicates that this missense variant is not expected to disrupt ABCA4 protein function. In summary, the available evidence is currently insufficient to determine the role of this variant in disease. Therefore, it has been classified as a Variant of Uncertain Significance.

NM_000350.3(ABCA4):c.3868G>A (p.Ala1290Thr)

Gene: ABCA4 (ATP binding cassette subfamily A member 4; minus strand). Cytogenetic location: 1p22.1.
Variant type: single nucleotide variant.
Coding change: c.3868G>A on transcript NM_000350.3 (MANE Select); coding-DNA position 3868, G replaced by A.
Protein change: p.Ala1290Thr; replaces alanine 1290 with threonine.
Molecular consequence: missense variant.
Genome position (GRCh38, 1-based): chr1:94,032,038, C>T on the plus strand (G>A on the coding strand, the complement: ABCA4 is on the minus strand). VCF-style: chr1-94032038-C-T. GRCh37 (hg19) VCF-style: chr1-94497594-C-T.
Other names: c.3646G>A, p.Ala1216Thr (NM_001425324.1); short protein forms A1290T, A1216T.
Identifiers: ClinVar variation 1360867 (VCV001360867.3), dbSNP rs143576497, ClinGen allele CA957779.
Genomic context (GRCh38, chr1:94,032,038, plus strand): 5'-CCTTCTCTCTGGGACCCAAGCAGGGGTGTCGGGGGTTGACGTTTTCTCTTTTCTGCTGAG[C>T]GCCACCTGTTTTGAGAGATTGAATTAATAATTTGGAAAATGCCTATAAGGTCTGGATCTC-3'
Protein context (NP_000341.2, residues 1280-1300): SDSGPLFAGG[Ala1290Thr]QQKRENVNPR